The following is an entry in ClinVar:

NM_206933.4(USH2A):c.8906C>G (p.Ser2969Ter)

Gene: USH2A (usherin; minus strand). Cytogenetic location: 1q41.
Variant type: single nucleotide variant.
Coding change: c.8906C>G on transcript NM_206933.4 (MANE Select); coding-DNA position 8906, C replaced by G.
Protein change: p.Ser2969Ter; replaces serine 2969 with a stop codon.
Molecular consequence: nonsense.
Genome position (GRCh38, 1-based): chr1:215,845,973, G>C on the plus strand (C>G on the coding strand, the complement: USH2A is on the minus strand). VCF-style: chr1-215845973-G-C. GRCh37 (hg19) VCF-style: chr1-216019315-G-C.
Other names: c.8906C>G (NM_206933.2); short protein forms S2969*.
Identifiers: ClinVar variation 2679549 (VCV002679549.3), dbSNP rs2464611968, ClinGen allele CA344841754.

ClinVar aggregate classification (germline): Pathogenic/Likely pathogenic. Review status: criteria provided, multiple submitters, no conflicts (2 of 4 stars). 3 submissions from 3 submitters: Pathogenic (2); Likely pathogenic (1). Last evaluated 2025-10-22.

Conditions:
Retinitis pigmentosa 39 (RP39). Identifiers: Orphanet 791, MedGen C3151138, MONDO:0013436, OMIM 613809.
Usher syndrome type 2A. Also called: RETINAL DISEASE IN USHER SYNDROME TYPE IIA, MODIFIER OF; USHER SYNDROME, TYPE IIA. Identifiers: Orphanet 231178, Orphanet 886, MedGen C1848634, MONDO:0010169, OMIM 276901.

Submissions (3):

Natera, Inc.
Classification: Pathogenic for Usher syndrome type 2A. Last evaluated: 2025-10-22. Review status: criteria provided, single submitter. Criteria: Natera Variant Classification Schema (03/2026). Collection method: clinical testing. Allele origin: germline.
Comment: The c.8906C>G variant in USH2A is a nonsense variant predicted to introduce a stop codon at amino acid 2969. This variant is expected to result in nonsense mediated decay, truncation, or a dysfunctional protein product. This variant is rare in the general population with a frequency below the threshold expected for the associated phenotype(s). This variant has been observed in one or more individuals affected with the associated recessive disease, as either homozygous or compound heterozygous with a second variant (PMID: 33576794). Given the available evidence, this variant is classified as Pathogenic.

SingHealth Duke-NUS Institute of Precision Medicine
Classification: Likely pathogenic for Retinitis pigmentosa 39. Last evaluated: 2025-02-05. Review status: criteria provided, single submitter. Criteria: PRISM ACMG Classification Criteria. Collection method: clinical testing. Allele origin: germline. Affected: yes.
Comment: Variant is predicted to cause nonsense-mediated decay in a gene where LOF is a known cause of pathogenicity (PVS1). Variant is not found in gnomAD genomes and exomes (PM2).

Baylor Genetics
Classification: Pathogenic for Retinitis pigmentosa 39. Last evaluated: 2022-10-12. Review status: criteria provided, single submitter. Criteria: ACMG Guidelines, 2015. Collection method: clinical testing. Allele origin: unknown.

Literature cited by the submitters: PubMed 33576794 (cited by Natera, Inc.).